The following is an entry in ClinVar:

ClinVar aggregate classification (germline): Uncertain significance (1 of 4 stars; one submission).

Conditions:
Cardiovascular phenotype. Identifiers: MedGen CN230736.

gnomAD v4.1: 2 of 1,613,664 alleles (0.00012%); highest among the groups gnomAD compares: Non-Finnish European, 0.00017%; no homozygotes.

Submission:

Ambry Genetics
Classification: Uncertain significance for Cardiovascular phenotype. Last evaluated: 2025-10-07. Review status: criteria provided, single submitter. Criteria: Ambry Variant Classification Scheme 2023. Collection method: clinical testing. Allele origin: germline.
Comment: The p.E850K variant (also known as c.2548G>A), located in coding exon 19 of the CACNA1C gene, results from a G to A substitution at nucleotide position 2548. The glutamic acid at codon 850 is replaced by lysine, an amino acid with similar properties. This amino acid position is highly conserved in available vertebrate species. In addition, this alteration is predicted to be deleterious by in silico analysis. Based on the available evidence, the clinical significance of this variant remains unclear.

NM_000719.7(CACNA1C):c.2548G>A (p.Glu850Lys)

Gene: CACNA1C (calcium voltage-gated channel subunit alpha1 C; plus strand). Cytogenetic location: 12p13.33.
Variant type: single nucleotide variant.
Coding change: c.2548G>A on transcript NM_000719.7 (MANE Select); coding-DNA position 2548, G replaced by A.
Protein change: p.Glu850Lys; replaces glutamic acid 850 with lysine.
Molecular consequence: missense variant.
Genome position (GRCh38, 1-based): chr12:2,593,230, G>A. VCF-style: chr12-2593230-G-A. GRCh37 (hg19) VCF-style: chr12-2702396-G-A.
Other names: c.2548G>A, p.Glu850Lys (NM_001129827.2, NM_001129829.2, NM_001129830.3 and 18 more transcripts); c.2539G>A, p.Glu847Lys (NM_001129844.2); short protein forms E847K, E850K.
Identifiers: ClinVar variation 4613762 (VCV004613762.1).
Genomic context (GRCh38, chr12:2,593,230, plus strand): 5'-GGGAGTGCTGGAGTTATTTAGAATGGTGCTGTTCTTCTTACAGGAGAAGAGGATGAGGAG[G>A]AGCCAGAGATGCCTGTCGGCCCTCGCCCACGACCACTCTCTGAGCTTCACCTTAAGGAAA-3'
Protein context (NP_000710.5, residues 840-860): PETTGEEDEE[Glu850Lys]PEMPVGPRPR